The following is an entry in ClinVar:

ClinVar aggregate classification (germline): Uncertain significance (1 of 4 stars; one submission).

Conditions:
Autosomal recessive limb-girdle muscular dystrophy type 2O. Also called: MUSCULAR DYSTROPHY-DYSTROGLYCANOPATHY (LIMB-GIRDLE), TYPE C, 3; MUSCULAR DYSTROPHY-DYSTROGLYCANOPATHY, LIMB-GIRDLE, POMGNT1-RELATED; Limb-Girdle Muscular Dystrophy Type 3C. Identifiers: Orphanet 206564, MedGen C3150417, MONDO:0013161, OMIM 613157.
Muscular dystrophy-dystroglycanopathy (congenital with impaired intellectual development), type B, 3. Also called: Muscular dystrophy-dystroglycanopathy (congenital with intellectual disability), type B3; MUSCULAR DYSTROPHY, CONGENITAL, POMGNT1-RELATED. Identifiers: MedGen C3150412, MONDO:0013155, OMIM 613151.

Submission:

Labcorp Genetics (formerly Invitae), Labcorp
Classification: Uncertain significance for Autosomal recessive limb-girdle muscular dystrophy type 2O; Muscular dystrophy-dystroglycanopathy (congenital with impaired intellectual development), type B, 3. Last evaluated: 2022-10-13. Review status: criteria provided, single submitter. Criteria: Invitae Variant Classification Sherloc (09022015). Collection method: clinical testing. Allele origin: germline.
Comment: In summary, the available evidence is currently insufficient to determine the role of this variant in disease. Therefore, it has been classified as a Variant of Uncertain Significance. Advanced modeling of protein sequence and biophysical properties (such as structural, functional, and spatial information, amino acid conservation, physicochemical variation, residue mobility, and thermodynamic stability) has been performed at Invitae for this missense variant, however the output from this modeling did not meet the statistical confidence thresholds required to predict the impact of this variant on POMGNT1 protein function. ClinVar contains an entry for this variant (Variation ID: 933353). This variant has not been reported in the literature in individuals affected with POMGNT1-related conditions. This variant is not present in population databases (gnomAD no frequency). This sequence change replaces phenylalanine, which is neutral and non-polar, with leucine, which is neutral and non-polar, at codon 501 of the POMGNT1 protein (p.Phe501Leu).

NM_017739.4(POMGNT1):c.1501T>C (p.Phe501Leu)

Genes: POMGNT1 (protein O-linked mannose N-acetylglucosaminyltransferase 1 (beta 1,2-); minus strand), TSPAN1 (tetraspanin 1; plus strand). Cytogenetic location: 1p34.1.
Variant type: single nucleotide variant.
Coding change: c.1501T>C on transcript NM_017739.4 (MANE Select); coding-DNA position 1501, T replaced by C.
Protein change: p.Phe501Leu; replaces phenylalanine 501 with leucine.
Molecular consequence: missense variant.
Genome position (GRCh38, 1-based): chr1:46,192,136, A>G on the plus strand (T>C on the coding strand, the complement: POMGNT1 is on the minus strand). VCF-style: chr1-46192136-A-G. GRCh37 (hg19) VCF-style: chr1-46657808-A-G.
Other names: c.1501T>C, p.Phe501Leu (NM_001243766.2, NM_001410783.1); c.1435T>C, p.Phe479Leu (NM_001290129.3); c.1072T>C, p.Phe358Leu (NM_001290130.2); short protein forms F358L, F479L, F501L.
Identifiers: ClinVar variation 933353 (VCV000933353.10), dbSNP rs753120009, ClinGen allele CA340173388.
Genomic context (GRCh38, chr1:46,192,136, plus strand): 5'-CTGCTCCCTGCCTCCCACTCACGTGAAAGTAGCCATTCATGTTGAGGCCGACGATGCCAA[A>G]GTGGTAGGATCGGGAAACGTCAGGGATGATGCACTCTCGGCCCCGGCGTTGTTCAGGCAT-3'
Protein context (NP_060209.4, residues 491-511): IIPDVSRSYH[Phe501Leu]GIVGLNMNGY